The following is an entry in ClinVar:

NM_001127178.3(PIGG):c.2834T>C (p.Leu945Ser)

Gene: PIGG (phosphatidylinositol glycan anchor biosynthesis class G (EMM blood group); plus strand). Cytogenetic location: 4p16.3.
Variant type: single nucleotide variant.
Coding change: c.2834T>C on transcript NM_001127178.3 (MANE Select); coding-DNA position 2834, T replaced by C.
Protein change: p.Leu945Ser; replaces leucine 945 with serine.
Molecular consequence: missense variant. On other transcripts: non-coding transcript variant (10).
Genome position (GRCh38, 1-based): chr4:539,251, T>C. VCF-style: chr4-539251-T-C. GRCh37 (hg19) VCF-style: chr4-533040-T-C.
Other names: c.2567T>C, p.Leu856Ser (NM_001289051.2, NM_001345986.2); c.2435T>C, p.Leu812Ser (NM_001289052.2); c.2543T>C, p.Leu848Ser (NM_001345987.2); c.1805T>C, p.Leu602Ser (NM_001345988.2); c.1301T>C, p.Leu434Ser (NM_001345990.2, NM_001345991.2); c.1736T>C, p.Leu579Ser (NM_001345994.2); c.2810T>C, p.Leu937Ser (NM_017733.5); short protein forms L937S, L434S, L579S, L848S, L945S, L602S, L812S, L856S.
Identifiers: ClinVar variation 849898 (VCV000849898.9), dbSNP rs1731498967, ClinGen allele CA355913562.
Genomic context (GRCh38, chr4:539,251, plus strand): 5'-TGATTTGTTCTATTCCAGTTTTCACGTACATCGTTTTGGTGACATCTCTGCGTTATCATT[T>C]ATTTATATGGAGTGTATTTTCTCCAAAACTTCTCTACGAGGGAATGCACCTGCTCATTAC-3'
Protein context (NP_001120650.1, residues 935-955): IVLVTSLRYH[Leu945Ser]FIWSVFSPKL

ClinVar aggregate classification (germline): Uncertain significance (1 of 4 stars; one submission).

Conditions:
Intellectual disability, autosomal recessive 53 (NEDHSCA). Also called: NEURODEVELOPMENTAL DISORDER WITH OR WITHOUT HYPOTONIA, SEIZURES, AND CEREBELLAR ATROPHY; GLYCOSYLPHOSPHATIDYLINOSITOL BIOSYNTHESIS DEFECT 13; Mental retardation, autosomal recessive 53. Identifiers: Orphanet 488635, MedGen C4310794, MONDO:0014832, OMIM 616917.

Allele frequency attached by ClinVar (database versions not stated): gnomAD exomes below 0.00001.
gnomAD v4.1: 1 of 1,612,044 alleles (0.000062%); highest among the groups gnomAD compares: Non-Finnish European, 0.000085%; no homozygotes.

Submission:

Labcorp Genetics (formerly Invitae), Labcorp
Classification: Uncertain significance for Intellectual disability, autosomal recessive 53. Last evaluated: 2021-07-21. Review status: criteria provided, single submitter. Criteria: Invitae Variant Classification Sherloc (09022015). Collection method: clinical testing. Allele origin: germline.
Comment: This sequence change replaces leucine with serine at codon 945 of the PIGG protein (p.Leu945Ser). The leucine residue is highly conserved and there is a large physicochemical difference between leucine and serine. This variant is not present in population databases (ExAC no frequency). This variant has not been reported in the literature in individuals with PIGG-related conditions. Algorithms developed to predict the effect of missense changes on protein structure and function are either unavailable or do not agree on the potential impact of this missense change (SIFT: "Deleterious"; PolyPhen-2: "Probably Damaging"; Align-GVGD: "Class C0"). In summary, the available evidence is currently insufficient to determine the role of this variant in disease. Therefore, it has been classified as a Variant of Uncertain Significance.